The following is an entry in ClinVar:

ClinVar aggregate classification (germline): Uncertain significance. Review status: criteria provided, multiple submitters, no conflicts (2 of 4 stars). 2 submissions from 2 submitters: Uncertain significance (2). Last evaluated 2025-08-27.

Conditions:
Inborn genetic diseases. Identifiers: MedGen C0950123, MeSH D030342.

Allele frequency attached by ClinVar (database versions not stated): gnomAD exomes 0.00001; gnomAD 0.00002; TOPMed 0.00002.
gnomAD v4.1: 6 of 1,591,102 alleles (0.00038%); highest among the groups gnomAD compares: African/African-American, 0.0013%; no homozygotes.

Submissions (2):

Ambry Genetics
Classification: Uncertain significance for Inborn genetic diseases. Last evaluated: 2025-08-27. Review status: criteria provided, single submitter. Criteria: Ambry Variant Classification Scheme 2023. Collection method: clinical testing. Allele origin: germline.

Labcorp Genetics (formerly Invitae), Labcorp
Classification: Uncertain significance. Last evaluated: 2023-10-13. Review status: criteria provided, single submitter. Criteria: Invitae Variant Classification Sherloc (09022015). Collection method: clinical testing. Allele origin: germline.
Comment: This sequence change replaces glutamic acid, which is acidic and polar, with valine, which is neutral and non-polar, at codon 728 of the COL4A2 protein (p.Glu728Val). The frequency data for this variant in the population databases is considered unreliable, as metrics indicate poor data quality at this position in the gnomAD database. This variant has not been reported in the literature in individuals affected with COL4A2-related conditions. ClinVar contains an entry for this variant (Variation ID: 1979120). Advanced modeling of protein sequence and biophysical properties (such as structural, functional, and spatial information, amino acid conservation, physicochemical variation, residue mobility, and thermodynamic stability) performed at Invitae indicates that this missense variant is not expected to disrupt COL4A2 protein function. In summary, the available evidence is currently insufficient to determine the role of this variant in disease. Therefore, it has been classified as a Variant of Uncertain Significance.

NM_001846.4(COL4A2):c.2183A>T (p.Glu728Val)

Gene: COL4A2 (collagen type IV alpha 2 chain; plus strand). Cytogenetic location: 13q34.
Variant type: single nucleotide variant.
Coding change: c.2183A>T on transcript NM_001846.4 (MANE Select); coding-DNA position 2183, A replaced by T.
Protein change: p.Glu728Val; replaces glutamic acid 728 with valine.
Molecular consequence: missense variant.
Genome position (GRCh38, 1-based): chr13:110,469,304, A>T. VCF-style: chr13-110469304-A-T. GRCh37 (hg19) VCF-style: chr13-111121651-A-T.
Other names: c.2183A>T (NM_001846.2); short protein forms E728V.
Identifiers: ClinVar variation 1979120 (VCV001979120.5), dbSNP rs1329056641, ClinGen allele CA388740969.